The following is an entry in ClinVar:

ClinVar aggregate classification (germline): Uncertain significance (1 of 4 stars; one submission).

Conditions:
Hereditary cancer-predisposing syndrome. Also called: Neoplastic Syndromes, Hereditary; Tumor predisposition; Hereditary Cancer Syndrome; Hereditary neoplastic syndrome. Identifiers: Orphanet 140162, MedGen C0027672, MeSH D009386, MONDO:0015356.

Submission:

Ambry Genetics
Classification: Uncertain significance for Hereditary cancer-predisposing syndrome. Last evaluated: 2022-01-15. Review status: criteria provided, single submitter. Criteria: Ambry Variant Classification Scheme 2023. Collection method: clinical testing. Allele origin: germline.
Comment: The p.N1217K variant (also known as c.3651T>A), located in coding exon 15 of the APC gene, results from a T to A substitution at nucleotide position 3651. The asparagine at codon 1217 is replaced by lysine, an amino acid with similar properties. This amino acid position is conserved. In addition, in silico predictors for this gene do not accurately predict pathogenicity. Since supporting evidence is limited at this time, the clinical significance of this alteration remains unclear.

NM_000038.6(APC):c.3651T>A (p.Asn1217Lys)

Gene: APC (APC regulator of Wnt signaling pathway; plus strand). Cytogenetic location: 5q22.2.
Variant type: single nucleotide variant.
Coding change: c.3651T>A on transcript NM_000038.6 (MANE Select); coding-DNA position 3651, T replaced by A.
Protein change: p.Asn1217Lys; replaces asparagine 1217 with lysine.
Molecular consequence: missense variant.
Genome position (GRCh38, 1-based): chr5:112,839,245, T>A. VCF-style: chr5-112839245-T-A. GRCh37 (hg19) VCF-style: chr5-112174942-T-A.
Other names: c.3528T>A, p.Asn1176Lys (NM_001354900.2); c.3474T>A, p.Asn1158Lys (NM_001354901.2, NM_001407453.1); c.3378T>A, p.Asn1126Lys (NM_001354902.2); c.3348T>A, p.Asn1116Lys (NM_001354903.2, NM_001407458.1, NM_001407459.1 and 1 more transcripts); c.3273T>A, p.Asn1091Lys (NM_001354904.2); c.3171T>A, p.Asn1057Lys (NM_001354905.2); c.2802T>A, p.Asn934Lys (NM_001354906.2, NM_001407470.1); c.3735T>A, p.Asn1245Lys (NM_001407446.1); and 11 more; short protein forms N1158K, N1192K, N1199K, N1207K, N1235K, N1116K, N1176K, N1210K.
Identifiers: ClinVar variation 1733609 (VCV001733609.2), dbSNP rs2149896320, ClinGen allele CA16029352.